The following is an entry in ClinVar:

ClinVar aggregate classification (germline): Likely benign. Review status: criteria provided, multiple submitters, no conflicts (2 of 4 stars). 3 submissions from 3 submitters: Likely benign (2). 1 of the submissions does not count toward it. Last evaluated 2026-01-21.

Conditions:
PLEC-related disorder. Also called: PLEC-related condition; PLEC-related disorders.
Epidermolysis bullosa simplex 5B, with muscular dystrophy (EBS5B). Also called: Epidermolysis bullosa simplex with muscular dystrophy; EPIDERMOLYSIS BULLOSA SIMPLEX AND LIMB-GIRDLE MUSCULAR DYSTROPHY. Identifiers: Orphanet 257, MedGen C2931072, MONDO:0009181, OMIM 226670.
Autosomal recessive limb-girdle muscular dystrophy type 2Q (LGMDR17). Also called: MUSCULAR DYSTROPHY, LIMB-GIRDLE, AUTOSOMAL RECESSIVE 17. Identifiers: Orphanet 254361, MedGen C3150989, MONDO:0013390, OMIM 613723.
Epidermolysis bullosa simplex, Ogna type (EBS5A). Also called: Pidermolysis bullosa simplex 5A, Ogna type; EPIDERMOLYSIS BULLOSA SIMPLEX 5A, OGNA TYPE. Identifiers: Orphanet 79401, MedGen C0432317, MONDO:0007555, OMIM 131950.
Epidermolysis bullosa simplex 5C, with pyloric atresia (EBS5C). Also called: PLEC-Related Epidermolysis Bullosa with Pyloric Atresia; Epidermolysis bullosa simplex with pyloric atresia; PLEC1-Related Epidermolysis Bullosa with Pyloric Atresia. Identifiers: Orphanet 158684, MedGen C2677349, MONDO:0012807, OMIM 612138.
Epidermolysis bullosa simplex with nail dystrophy (EBS5D). Identifiers: MedGen C4225309, MONDO:0014661, OMIM 616487.

Allele frequency attached by ClinVar (database versions not stated): gnomAD 0.00016 and 0.00020; TOPMed 0.00027; ExAC 0.00032; gnomAD exomes 0.00033; 1000 Genomes Project 30x 0.00078; 1000 Genomes Project 0.00100.
gnomAD v4.1: 244 of 1,609,778 alleles (0.015%); highest among the groups gnomAD compares: East Asian, 0.43%; 1 homozygote.

Submissions (5):

Labcorp Genetics (formerly Invitae), Labcorp
Classification: Likely benign for Autosomal recessive limb-girdle muscular dystrophy type 2Q; Epidermolysis bullosa simplex, Ogna type; Epidermolysis bullosa simplex with nail dystrophy; Epidermolysis bullosa simplex 5C, with pyloric atresia; Epidermolysis bullosa simplex 5B, with muscular dystrophy. Last evaluated: 2026-01-21. Review status: criteria provided, single submitter. Criteria: Invitae Variant Classification Sherloc (09022015). Collection method: clinical testing. Allele origin: germline.

Blueprint Genetics
Classification: Likely benign. Last evaluated: 2024-10-04. Review status: criteria provided, single submitter. Criteria: ACMG Guidelines, 2015. Collection method: clinical testing. Allele origin: germline.

PreventionGenetics, part of Exact Sciences
Classification: Likely benign for PLEC-related condition. Last evaluated: 2022-03-31. Review status: no assertion criteria provided. Collection method: clinical testing. Allele origin: germline. Not counted in ClinVar's aggregate classification.
Comment: This variant is classified as likely benign based on ACMG/AMP sequence variant interpretation guidelines (Richards et al. 2015 PMID: 25741868, with internal and published modifications).

Dr. Peter K. Rogan Lab, Western University
No classification provided (evidence only). Condition: Papillary renal cell carcinoma type 1. Review status: no classification provided. Collection method: in vitro. Allele origin: not applicable. Functional consequence: skipped exon, retained intron. Not counted in ClinVar's aggregate classification.

Dr. Peter K. Rogan Lab, Western University
No classification provided (evidence only). Condition: Malignant tumor of esophagus. Review status: no classification provided. Collection method: in vitro. Allele origin: not applicable. Functional consequence: skipped exon, retained intron. Not counted in ClinVar's aggregate classification.

NM_201384.3(PLEC):c.2739G>A (p.Thr913=)

Gene: PLEC (plectin; minus strand). Cytogenetic location: 8q24.3.
Variant type: single nucleotide variant.
Coding change: c.2739G>A on transcript NM_201384.3 (MANE Select); coding-DNA position 2739, G replaced by A.
Protein change: p.Thr913=; no amino-acid change (threonine 913 retained).
Molecular consequence: synonymous variant.
Genome position (GRCh38, 1-based): chr8:143,929,936, C>T on the plus strand (G>A on the coding strand, the complement: PLEC is on the minus strand). VCF-style: chr8-143929936-C-T. GRCh37 (hg19) VCF-style: chr8-145004104-C-T.
Other names: c.2820G>A, p.Thr940= (NM_000445.5); c.2697G>A, p.Thr899= (NM_201378.4); c.2673G>A, p.Thr891= (NM_201379.3); c.3150G>A, p.Thr1050= (NM_201380.4); c.2643G>A, p.Thr881= (NM_201381.3); c.2739G>A, p.Thr913= (NM_201382.4); c.2751G>A, p.Thr917= (NM_201383.3).
Identifiers: ClinVar variation 539025 (VCV000539025.15), dbSNP rs200436731, ClinGen allele CA4927401.